The following is an entry in ClinVar:

NM_001145715.3(KPNA7):c.400G>A (p.Ala134Thr)

Gene: KPNA7 (karyopherin subunit alpha 7; minus strand). Cytogenetic location: 7q22.1.
Variant type: single nucleotide variant.
Coding change: c.400G>A on transcript NM_001145715.3 (MANE Select); coding-DNA position 400, G replaced by A.
Protein change: p.Ala134Thr; replaces alanine 134 with threonine.
Molecular consequence: missense variant.
Genome position (GRCh38, 1-based): chr7:99,195,223, C>T on the plus strand (G>A on the coding strand, the complement: KPNA7 is on the minus strand). VCF-style: chr7-99195223-C-T. GRCh37 (hg19) VCF-style: chr7-98792846-C-T.
Other names: short protein forms A134T.
Identifiers: ClinVar variation 1508021 (VCV001508021.6), dbSNP rs565062037, ClinGen allele CA163746631.

ClinVar aggregate classification (germline): Uncertain significance (1 of 4 stars; one submission).

Allele frequency attached by ClinVar (database versions not stated): gnomAD exomes below 0.00001; gnomAD 0.00001.
gnomAD v4.1: 3 of 1,551,472 alleles (0.00019%); highest among the groups gnomAD compares: Non-Finnish European, 0.00026%; no homozygotes.

Submission:

Labcorp Genetics (formerly Invitae), Labcorp
Classification: Uncertain significance. Last evaluated: 2022-07-12. Review status: criteria provided, single submitter. Criteria: Invitae Variant Classification Sherloc (09022015). Collection method: clinical testing. Allele origin: germline.
Comment: In summary, the available evidence is currently insufficient to determine the role of this variant in disease. Therefore, it has been classified as a Variant of Uncertain Significance. This sequence change replaces alanine, which is neutral and non-polar, with threonine, which is neutral and polar, at codon 134 of the KPNA7 protein (p.Ala134Thr). This variant is not present in population databases (gnomAD no frequency). This variant has not been reported in the literature in individuals affected with KPNA7-related conditions. ClinVar contains an entry for this variant (Variation ID: 1508021). Algorithms developed to predict the effect of missense changes on protein structure and function (SIFT, PolyPhen-2, Align-GVGD) all suggest that this variant is likely to be disruptive.